The following is an entry in ClinVar:

ClinVar aggregate classification (germline): Uncertain significance (1 of 4 stars; one submission).

Allele frequency attached by ClinVar (database versions not stated): gnomAD exomes below 0.00001.
gnomAD v4.1: 3 of 1,211,836 alleles (0.00025%); highest among the groups gnomAD compares: Non-Finnish European, 0.00034%; no homozygotes.

Submission:

GeneDx
Classification: Uncertain significance. Last evaluated: 2016-12-09. Review status: criteria provided, single submitter. Criteria: GeneDx Variant Classification (06012015). Collection method: clinical testing. Allele origin: germline. Affected: yes.
Comment: A variant of uncertain significance has been identified in the WDR45 gene. The V292M variant has not been published as a pathogenic variant, nor has it been reported as a benign variant to our knowledge. The V292M variant is not observed in large population cohorts (Lek et al., 2016; 1000 Genomes Consortium et al., 2015; Exome Variant Server). This substitution occurs at a position that is conserved in mammals. However, the V292M variant is a conservative amino acid substitution, which is not likely to impact secondary protein structure as these residues share similar properties. In silico analysis is inconsistent in its predictions as to whether or not the variant is damaging to the protein structure/function. Therefore, based on the currently available information, it is unclear whether this variant is a pathogenic variant or a rare benign variant.

NM_001029896.2(WDR45):c.871G>A (p.Val291Met)

Gene: WDR45 (WD repeat domain 45; minus strand). Cytogenetic location: Xp11.23.
Variant type: single nucleotide variant.
Coding change: c.871G>A on transcript NM_001029896.2 (MANE Select); coding-DNA position 871, G replaced by A.
Protein change: p.Val291Met; replaces valine 291 with methionine.
Molecular consequence: missense variant.
Genome position (GRCh38, 1-based): chrX:49,075,238, C>T on the plus strand (G>A on the coding strand, the complement: WDR45 is on the minus strand). VCF-style: chrX-49075238-C-T. GRCh37 (hg19) VCF-style: chrX-48932897-C-T.
Other names: c.874G>A, p.Val292Met (NM_007075.4); short protein forms V292M, V291M.
Identifiers: ClinVar variation 373712 (VCV000373712.1), dbSNP rs1557083897, ClinGen allele CA16043286.